The following is an entry in ClinVar:

NM_032578.4(MYPN):c.2552_2558del (p.Ser851fs)

Gene: MYPN (myopalladin; plus strand). Cytogenetic location: 10q21.3.
Variant type: Deletion.
Coding change: c.2552_2558del on transcript NM_032578.4 (MANE Select); coding-DNA positions 2552 to 2558, 7 bases deleted (GTGCACC; older notation c.2552_2558delGTGCACC).
Protein change: p.Ser851fs; shifts the reading frame from serine 851.
Molecular consequence: frameshift variant. On other transcripts: non-coding transcript variant (2).
Genome position (GRCh38, 1-based): chr10:68,174,644-68,174,650, GTGCACC deleted. VCF-style (leftmost placement, unchanged base first): chr10-68174643-AGTGCACC-A. GRCh37 (hg19) VCF-style: chr10-69934400-AGTGCACC-A.
Other names: c.2552_2558del, p.Ser851fs (NM_001256267.2); c.1670_1676del, p.Ser557fs (NM_001256268.2); short protein forms S851fs, S557fs.
Identifiers: ClinVar variation 3722531 (VCV003722531.2).
Genomic context (GRCh38, chr10:68,174,643, plus strand): 5'-AGCTCTGTTCTGCCTTCTCTCCCTGCCATCCCACCCACAAATGCCATGGGGCTGCCTAGA[AGTGCACC>A]ATCCATGTAAGTGTCATTGAGGTTTCTTGATGTAAGATGCTAGTTAAGAGTCGATGTGCA-3'

ClinVar aggregate classification (germline): Pathogenic (1 of 4 stars; one submission).

Conditions:
Dilated cardiomyopathy 1KK (CMD1KK). Identifiers: Orphanet 154, Orphanet 75249, MedGen C3714995, MONDO:0014100, OMIM 615248.

Submission:

Labcorp Genetics (formerly Invitae), Labcorp
Classification: Pathogenic for Dilated cardiomyopathy 1KK. Last evaluated: 2024-10-16. Review status: criteria provided, single submitter. Criteria: Invitae Variant Classification Sherloc (09022015). Collection method: clinical testing. Allele origin: germline.
Comment: This sequence change creates a premature translational stop signal (p.Ser851Asnfs*8) in the MYPN gene. It is expected to result in an absent or disrupted protein product. Loss-of-function variants in MYPN are known to be pathogenic (PMID: 28017374). This variant is not present in population databases (gnomAD no frequency). This variant has not been reported in the literature in individuals affected with MYPN-related conditions. For these reasons, this variant has been classified as Pathogenic.

Literature cited by the submitters: PubMed 28017374.